The following is an entry in ClinVar:

NM_000059.4(BRCA2):c.4404dup (p.Asp1469Ter)

Gene: BRCA2 (BRCA2 DNA repair associated; plus strand). Cytogenetic location: 13q13.1.
Variant type: Duplication.
Coding change: c.4404dup on transcript NM_000059.4 (MANE Select); coding-DNA position 4404, one base duplicated (T; older notation c.4404dupT).
Protein change: p.Asp1469Ter; replaces aspartic acid 1469 with a stop codon.
Molecular consequence: nonsense.
Genome position (GRCh38, 1-based): chr13:32,338,759, T duplicated. VCF-style (leftmost placement, unchanged base first): chr13-32338758-C-CT. GRCh37 (hg19) VCF-style: chr13-32912895-C-CT.
Other names: 4632insT; short protein forms D1469*.
Identifiers: ClinVar variation 266810 (VCV000266810.11), dbSNP rs886040528, ClinGen allele CA10589258.

ClinVar aggregate classification (germline): Pathogenic. Review status: reviewed by expert panel (3 of 4 stars). 3 submissions from 3 submitters: Pathogenic (1). 2 of the submissions do not count toward it. Last evaluated 2016-10-18.

Conditions:
Breast-ovarian cancer, familial, susceptibility to, 2 (BROVCA2). Also called: BRCA2 Hereditary Breast and Ovarian Cancer. Identifiers: Orphanet 145, MedGen C2675520, MONDO:0012933, OMIM 612555. Disease mechanism: loss of function.
Hereditary breast ovarian cancer syndrome. Also called: BRCA1- and BRCA2-Associated Hereditary Breast and Ovarian Cancer; Hereditary breast and ovarian cancer; Breast and ovarian cancer; Hereditary breast and/or ovarian cancer syndrome; Hereditary breast and ovarian cancer syndrome; Hereditary breast and ovarian cancer syndrome (HBOC). Identifiers: Orphanet 145, MedGen C0677776, MeSH D061325, MONDO:0003582. Disease mechanism: loss of function.

Submissions (3):

Evidence-based Network for the Interpretation of Germline Mutant Alleles (ENIGMA)
Classification: Pathogenic for Breast-ovarian cancer, familial, susceptibility to, 2. Last evaluated: 2016-10-18. Review status: reviewed by expert panel. Criteria: ENIGMA BRCA1/2 Classification Criteria (2015). Collection method: curation. Allele origin: germline.
Comment: Variant allele predicted to encode a truncated non-functional protein.

Labcorp Genetics (formerly Invitae), Labcorp
Classification: Pathogenic for Hereditary breast ovarian cancer syndrome. Last evaluated: 2022-04-21. Review status: criteria provided, single submitter. Criteria: Invitae Variant Classification Sherloc (09022015). Collection method: clinical testing. Allele origin: germline. Not counted in ClinVar's aggregate classification.
Comment: This premature translational stop signal has been observed in individual(s) with high risk of developing breast and/or ovarian cancer (PMID: 29446198). ClinVar contains an entry for this variant (Variation ID: 266810). For these reasons, this variant has been classified as Pathogenic. This variant is not present in population databases (gnomAD no frequency). This sequence change creates a premature translational stop signal (p.Asp1469*) in the BRCA2 gene. It is expected to result in an absent or disrupted protein product. Loss-of-function variants in BRCA2 are known to be pathogenic (PMID: 20104584).

Consortium of Investigators of Modifiers of BRCA1/2 (CIMBA), c/o University of Cambridge
Classification: Pathogenic for Breast-ovarian cancer, familial, susceptibility to, 2. Last evaluated: 2015-10-02. Review status: criteria provided, single submitter. Criteria: CIMBA Mutation Classification guidelines May 2016. Collection method: clinical testing. Allele origin: germline. Not counted in ClinVar's aggregate classification.

Literature cited by the submitters: PubMed 29446198 (cited by Labcorp Genetics (formerly Invitae), Labcorp); PubMed 20104584 (cited by Labcorp Genetics (formerly Invitae), Labcorp).